The following is an entry in ClinVar:

NM_000368.5(TSC1):c.1305_1308delinsTCTTCTGT (p.Gln435fs)

Gene: TSC1 (TSC complex subunit 1; minus strand). Cytogenetic location: 9q34.13.
Variant type: Indel.
Coding change: c.1305_1308delinsTCTTCTGT on transcript NM_000368.5 (MANE Select); coding-DNA positions 1305 to 1308, ACAC replaced by TCTTCTGT.
Protein change: p.Gln435fs; shifts the reading frame from glutamine 435.
Molecular consequence: frameshift variant. On other transcripts: non-coding transcript variant (5).
Genome position (GRCh38, 1-based): chr9:132,907,326-132,907,329, GTGT replaced by ACAGAAGA on the plus strand (ACAC replaced by TCTTCTGT on the coding strand, the reverse complement: TSC1 is on the minus strand). VCF-style: chr9-132907326-GTGT-ACAGAAGA. GRCh37 (hg19) VCF-style: chr9-135782713-GTGT-ACAGAAGA.
Other names: c.1302_1305delinsTCTTCTGT, p.Gln434fs (NM_001162426.2, NM_001406597.1, NM_001406598.1 and 6 more transcripts); c.1152_1155delinsTCTTCTGT, p.Gln384fs (NM_001162427.2, NM_001406610.1); c.942_945delinsTCTTCTGT, p.Gln314fs (NM_001362177.2, NM_001406614.1, NM_001406615.1 and 5 more transcripts); c.1305_1308delinsTCTTCTGT, p.Gln435fs (NM_001406592.1, NM_001406593.1, NM_001406594.1 and 7 more transcripts); c.1149_1152delinsTCTTCTGT, p.Gln383fs (NM_001406611.1, NM_001406612.1, NM_001406613.1); c.939_942delinsTCTTCTGT, p.Gln313fs (NM_001406620.1, NM_001406621.1, NM_001406622.1 and 2 more transcripts); c.354_357delinsTCTTCTGT, p.Gln118fs (NM_001406626.1); c.351_354delinsTCTTCTGT, p.Gln117fs (NM_001406627.1, NM_001406628.1); and 1 more; short protein forms Q117fs, Q118fs, Q314fs, Q84fs, Q383fs, Q434fs, Q435fs, Q313fs.
Identifiers: ClinVar variation 4554181 (VCV004554181.1).

ClinVar aggregate classification (germline): Pathogenic (1 of 4 stars; one submission).

Conditions:
Hereditary cancer-predisposing syndrome. Also called: Tumor predisposition; Hereditary Cancer Syndrome; Hereditary neoplastic syndrome; Neoplastic Syndromes, Hereditary. Identifiers: Orphanet 140162, MedGen C0027672, MeSH D009386, MONDO:0015356.

Submission:

Ambry Genetics
Classification: Pathogenic for Hereditary cancer-predisposing syndrome. Last evaluated: 2025-10-27. Review status: criteria provided, single submitter. Criteria: Ambry Variant Classification Scheme 2023. Collection method: clinical testing. Allele origin: germline.
Comment: The c.1305_1308delACACinsTCTTCTGT pathogenic mutation, located in coding exon 11 of the TSC1 gene, results from the deletion of 4 nucleotides and insertion of 8 nucleotides causing a translational frameshift with a predicted alternate stop codon (p.Q435Hfs*8). This variant is considered to be rare based on population cohorts in the Genome Aggregation Database (gnomAD). This alteration is expected to result in loss of function by premature protein truncation or nonsense-mediated mRNA decay. As such, this alteration is interpreted as a disease-causing mutation.